The following is an entry in ClinVar:

NM_001903.5(CTNNA1):c.1116dup (p.Lys373fs)

Gene: CTNNA1 (catenin alpha 1; plus strand). Cytogenetic location: 5q31.2.
Variant type: Duplication.
Coding change: c.1116dup on transcript NM_001903.5 (MANE Select); coding-DNA position 1116, one base duplicated (C; older notation c.1116dupC).
Protein change: p.Lys373fs; shifts the reading frame from lysine 373.
Molecular consequence: frameshift variant. On other transcripts: 5 prime UTR variant (5), intron variant (2).
Genome position (GRCh38, 1-based): chr5:138,886,265, C duplicated; the last of 2 consecutive C bases (chr5:138,886,264-138,886,265); duplicating either gives the same sequence. VCF-style (leftmost placement, unchanged base first): chr5-138886263-A-AC. GRCh37 (hg19) VCF-style: chr5-138221952-A-AC.
Other names: c.1116dup, p.Lys373fs (NM_001290307.3, NM_001323982.2, NM_001323983.1 and 3 more transcripts); c.807dup, p.Lys270fs (NM_001290309.3); c.747dup, p.Lys250fs (NM_001290310.3); c.6dup, p.Lys3fs (NM_001290312.1, NM_001323987.1, NM_001323988.1 and 18 more transcripts); c.-392dup (NM_001324006.1, NM_001324007.1, NM_001324008.1 and 1 more transcripts); c.-267dup (NM_001324013.1); c.-58+10668dup (NM_001324012.1); c.-61+10668dup (NM_001324010.1); short protein forms K250fs, K373fs, K270fs, K3fs.
Identifiers: ClinVar variation 2823109 (VCV002823109.3), dbSNP rs2532981409, ClinGen allele CA2739275111.
Genomic context (GRCh38, chr5:138,886,263, plus strand): 5'-TTTATCCAGGCTGGACGTAAAGAAAGAAGTGATGCACTCAATTCTGCAATAGATAAAATG[A>AC]CCAAGAAGACCAGGGACTTGCGTAGACAGGTAATCTGGATGAAAGTGCTGATTGTTTTTC-3'

ClinVar aggregate classification (germline): Pathogenic (1 of 4 stars; one submission).

Submission:

Labcorp Genetics (formerly Invitae), Labcorp
Classification: Pathogenic. Last evaluated: 2023-05-15. Review status: criteria provided, single submitter. Criteria: Invitae Variant Classification Sherloc (09022015). Collection method: clinical testing. Allele origin: germline.
Comment: For these reasons, this variant has been classified as Pathogenic. This variant has not been reported in the literature in individuals affected with CTNNA1-related conditions. This variant is not present in population databases (gnomAD no frequency). This sequence change creates a premature translational stop signal (p.Lys373Glnfs*8) in the CTNNA1 gene. It is expected to result in an absent or disrupted protein product. Loss-of-function variants in CTNNA1 are known to be pathogenic (PMID: 32051609, 34425242).

Literature cited by the submitters: PubMed 32051609; PubMed 34425242.